The following is an entry in ClinVar:

ClinVar aggregate classification (germline): Likely benign. Review status: criteria provided, multiple submitters, no conflicts (2 of 4 stars). 4 submissions from 4 submitters: Likely benign (3). 1 of the submissions does not count toward it. Last evaluated 2026-01-01.

Conditions:
PLD1-related disorder. Also called: PLD1-related condition.

Allele frequency attached by ClinVar (database versions not stated): 1000 Genomes Project 30x 0.00062; 1000 Genomes Project 0.00080; gnomAD 0.00134 and 0.00137; ExAC 0.00166; TOPMed 0.00166; gnomAD exomes 0.00167 and 0.00172; ESP Exome Variant Server 0.00169.
gnomAD v4.1: 2,767 of 1,613,138 alleles (0.17%); highest among the groups gnomAD compares: Middle Eastern, 0.31%; 8 homozygotes.

Submissions (4):

CeGaT Center for Human Genetics Tuebingen
Classification: Likely benign. Last evaluated: 2026-01-01. Review status: criteria provided, single submitter. Criteria: CeGaT Center For Human Genetics Tuebingen Variant Classification Criteria Version 2. Collection method: clinical testing. Allele origin: germline. Affected: yes. Observed: 1 variant allele.
Comment: PLD1: BP4

Labcorp Genetics (formerly Invitae), Labcorp
Classification: Likely benign. Last evaluated: 2025-11-16. Review status: criteria provided, single submitter. Criteria: Invitae Variant Classification Sherloc (09022015). Collection method: clinical testing. Allele origin: germline.

Blueprint Genetics
Classification: Likely benign. Last evaluated: 2024-11-25. Review status: criteria provided, single submitter. Criteria: ACMG Guidelines, 2015. Collection method: clinical testing. Allele origin: germline.

PreventionGenetics, part of Exact Sciences
Classification: Likely benign for PLD1-related condition. Last evaluated: 2019-10-30. Review status: no assertion criteria provided. Collection method: clinical testing. Allele origin: germline. Not counted in ClinVar's aggregate classification.
Comment: This variant is classified as likely benign based on ACMG/AMP sequence variant interpretation guidelines (Richards et al. 2015 PMID: 25741868, with internal and published modifications).

NM_002662.5(PLD1):c.868G>C (p.Glu290Gln)

Gene: PLD1 (phospholipase D1; minus strand). Cytogenetic location: 3q26.31.
Variant type: single nucleotide variant.
Coding change: c.868G>C on transcript NM_002662.5 (MANE Select); coding-DNA position 868, G replaced by C.
Protein change: p.Glu290Gln; replaces glutamic acid 290 with glutamine.
Molecular consequence: missense variant.
Genome position (GRCh38, 1-based): chr3:171,713,936, C>G on the plus strand (G>C on the coding strand, the complement: PLD1 is on the minus strand). VCF-style: chr3-171713936-C-G. GRCh37 (hg19) VCF-style: chr3-171431726-C-G.
Other names: c.868G>C, p.Glu290Gln (NM_001130081.3); short protein forms E290Q.
Identifiers: ClinVar variation 777968 (VCV000777968.16), dbSNP rs142070781, ClinGen allele CA2704813.